The following is an entry in ClinVar:

ClinVar aggregate classification (germline): Likely benign. Review status: criteria provided, multiple submitters, no conflicts (2 of 4 stars). 4 submissions from 4 submitters: Likely benign (4). Last evaluated 2026-07-21.

Conditions:
RECQL4-related disorder. Also called: RECQL4-related disorders; RECQL4-related condition.
Inborn genetic diseases. Identifiers: MedGen C0950123, MeSH D030342.
Baller-Gerold syndrome (BGS). Also called: CRANIOSYNOSTOSIS WITH RADIAL DEFECTS. Identifiers: Orphanet 1225, MedGen C0265308, MONDO:0009039, OMIM 218600.

Allele frequency attached by ClinVar (database versions not stated): ExAC 0.00002; gnomAD exomes 0.00002; ESP Exome Variant Server 0.00008; gnomAD 0.00010.
gnomAD v4.1: 85 of 1,612,316 alleles (0.0053%); highest among the groups gnomAD compares: Non-Finnish European, 0.0066%; no homozygotes.

Submissions (4):

PreventionGenetics, part of Exact Sciences
Classification: Likely benign for RECQL4-related condition. Last evaluated: 2026-07-21. Review status: criteria provided, single submitter. Criteria: ACMG Guidelines, 2015. Collection method: clinical testing. Allele origin: germline.
Comment: This variant is classified as likely benign based on ACMG/AMP sequence variant interpretation guidelines (Richards et al. 2015 PMID: 25741868, with internal and published modifications).

Ambry Genetics
Classification: Likely benign for Inborn genetic diseases. Last evaluated: 2024-11-22. Review status: criteria provided, single submitter. Criteria: Ambry Variant Classification Scheme 2023. Collection method: clinical testing. Allele origin: germline.

Labcorp Genetics (formerly Invitae), Labcorp
Classification: Likely benign for Baller-Gerold syndrome. Last evaluated: 2024-11-04. Review status: criteria provided, single submitter. Criteria: Invitae Variant Classification Sherloc (09022015). Collection method: clinical testing. Allele origin: germline.

Blueprint Genetics
Classification: Likely benign. Last evaluated: 2022-04-13. Review status: criteria provided, single submitter. Criteria: ACMG Guidelines, 2015. Collection method: clinical testing. Allele origin: germline.

NM_004260.4(RECQL4):c.3132C>T (p.Thr1044=)

Gene: RECQL4 (RecQ like helicase 4; minus strand). Cytogenetic location: 8q24.3.
Variant type: single nucleotide variant.
Coding change: c.3132C>T on transcript NM_004260.4 (MANE Select); coding-DNA position 3132, C replaced by T.
Protein change: p.Thr1044=; no amino-acid change (threonine 1044 retained).
Molecular consequence: synonymous variant.
Genome position (GRCh38, 1-based): chr8:144,512,248, G>A on the plus strand (C>T on the coding strand, the complement: RECQL4 is on the minus strand). VCF-style: chr8-144512248-G-A. GRCh37 (hg19) VCF-style: chr8-145737631-G-A.
Identifiers: ClinVar variation 459460 (VCV000459460.13), dbSNP rs373238823, ClinGen allele CA4947919.